The following is an entry in ClinVar:

ClinVar aggregate classification (germline): Uncertain significance (1 of 4 stars; one submission).

Conditions:
LAMA2-related muscular dystrophy (LAMA2-RD). Also called: Laminin alpha 2-related dystrophy. Identifiers: MedGen C5679788, MONDO:0100228.

Submission:

Labcorp Genetics (formerly Invitae), Labcorp
Classification: Uncertain significance for LAMA2-related muscular dystrophy. Last evaluated: 2021-12-23. Review status: criteria provided, single submitter. Criteria: Invitae Variant Classification Sherloc (09022015). Collection method: clinical testing. Allele origin: germline.
Comment: In summary, the available evidence is currently insufficient to determine the role of this variant in disease. Therefore, it has been classified as a Variant of Uncertain Significance. Advanced modeling of protein sequence and biophysical properties (such as structural, functional, and spatial information, amino acid conservation, physicochemical variation, residue mobility, and thermodynamic stability) performed at Invitae indicates that this missense variant is not expected to disrupt LAMA2 protein function. This variant has not been reported in the literature in individuals affected with LAMA2-related conditions. This variant is not present in population databases (gnomAD no frequency). This sequence change replaces isoleucine, which is neutral and non-polar, with asparagine, which is neutral and polar, at codon 1859 of the LAMA2 protein (p.Ile1859Asn).

NM_000426.4(LAMA2):c.5576T>A (p.Ile1859Asn)

Gene: LAMA2 (laminin subunit alpha 2; plus strand). Cytogenetic location: 6q22.33.
Variant type: single nucleotide variant.
Coding change: c.5576T>A on transcript NM_000426.4 (MANE Select); coding-DNA position 5576, T replaced by A.
Protein change: p.Ile1859Asn; replaces isoleucine 1859 with asparagine.
Molecular consequence: missense variant.
Genome position (GRCh38, 1-based): chr6:129,402,337, T>A. VCF-style: chr6-129402337-T-A. GRCh37 (hg19) VCF-style: chr6-129723482-T-A.
Other names: c.5576T>A, p.Ile1859Asn (NM_001079823.2); short protein forms I1859N.
Identifiers: ClinVar variation 2055575 (VCV002055575.4), dbSNP rs754292437, ClinGen allele CA365616035.